The following is an entry in ClinVar:

ClinVar aggregate classification (germline): Uncertain significance (1 of 4 stars; one submission).

Conditions:
Cardiovascular phenotype. Identifiers: MedGen CN230736.

gnomAD v4.1: 3 of 1,613,494 alleles (0.00019%); highest among the groups gnomAD compares: Non-Finnish European, 0.00025%; no homozygotes.

Submission:

Ambry Genetics
Classification: Uncertain significance for Cardiovascular phenotype. Last evaluated: 2025-05-03. Review status: criteria provided, single submitter. Criteria: Ambry Variant Classification Scheme 2023. Collection method: clinical testing. Allele origin: germline.
Comment: The p.V2722I variant (also known as c.8164G>A), located in coding exon 48 of the FLNC gene, results from a G to A substitution at nucleotide position 8164. The valine at codon 2722 is replaced by isoleucine, an amino acid with highly similar properties. This amino acid position is conserved. In addition, this alteration is predicted to be tolerated by in silico analysis. Based on the available evidence, the clinical significance of this variant remains unclear.

NM_001458.5(FLNC):c.8164G>A (p.Val2722Ile)

Genes: FLNC (filamin C; plus strand), FLNC-AS1 (FLNC antisense RNA 1; minus strand). Cytogenetic location: 7q32.1.
Variant type: single nucleotide variant.
Coding change: c.8164G>A on transcript NM_001458.5 (MANE Select); coding-DNA position 8164, G replaced by A.
Protein change: p.Val2722Ile; replaces valine 2722 with isoleucine.
Molecular consequence: missense variant.
Genome position (GRCh38, 1-based): chr7:128,858,509, G>A. VCF-style: chr7-128858509-G-A. GRCh37 (hg19) VCF-style: chr7-128498563-G-A.
Other names: c.8065G>A, p.Val2689Ile (NM_001127487.2); short protein forms V2689I, V2722I.
Identifiers: ClinVar variation 4025615 (VCV004025615.1).